The following is an entry in ClinVar:

NM_007254.4(PNKP):c.1065C>T (p.Pro355=)

Gene: PNKP (polynucleotide kinase 3'-phosphatase; minus strand). Cytogenetic location: 19q13.33.
Variant type: single nucleotide variant.
Coding change: c.1065C>T on transcript NM_007254.4 (MANE Select); coding-DNA position 1065, C replaced by T.
Protein change: p.Pro355=; no amino-acid change (proline 355 retained).
Molecular consequence: synonymous variant.
Genome position (GRCh38, 1-based): chr19:49,862,246, G>A on the plus strand (C>T on the coding strand, the complement: PNKP is on the minus strand). VCF-style: chr19-49862246-G-A. GRCh37 (hg19) VCF-style: chr19-50365503-G-A.
Identifiers: ClinVar variation 384629 (VCV000384629.9), dbSNP rs569834947, ClinGen allele CA16608206.

ClinVar aggregate classification (germline): Likely benign. Review status: criteria provided, multiple submitters, no conflicts (2 of 4 stars). 2 submissions from 2 submitters: Likely benign (2). Last evaluated 2021-07-14.

Conditions:
Developmental and epileptic encephalopathy, 12 (DEE12). Identifiers: MedGen C3150988, MONDO:0013389, OMIM 613722.

gnomAD v4.1: 3 of 1,609,760 alleles (0.00019%); highest among the groups gnomAD compares: South Asian, 0.0022%; no homozygotes.

Submissions (2):

Labcorp Genetics (formerly Invitae), Labcorp
Classification: Likely benign for Developmental and epileptic encephalopathy, 12. Last evaluated: 2021-07-14. Review status: criteria provided, single submitter. Criteria: Invitae Variant Classification Sherloc (09022015). Collection method: clinical testing. Allele origin: germline.

GeneDx
Classification: Likely benign. Last evaluated: 2016-03-22. Review status: criteria provided, single submitter. Criteria: GeneDx Variant Classification (06012015). Collection method: clinical testing. Allele origin: germline. Affected: yes.
Comment: This variant is considered likely benign or benign based on one or more of the following criteria: it is a conservative change, it occurs at a poorly conserved position in the protein, it is predicted to be benign by multiple in silico algorithms, and/or has population frequency not consistent with disease.